The following is an entry in ClinVar:

ClinVar aggregate classification (germline): Pathogenic (1 of 4 stars; one submission).

Submission:

Labcorp Genetics (formerly Invitae), Labcorp
Classification: Pathogenic. Last evaluated: 2022-07-06. Review status: criteria provided, single submitter. Criteria: Invitae Variant Classification Sherloc (09022015). Collection method: clinical testing. Allele origin: germline.
Comment: For these reasons, this variant has been classified as Pathogenic. This variant has not been reported in the literature in individuals affected with CNGB1-related conditions. This variant is a gross deletion of the genomic region encompassing exon(s) 26-27 of the CNGB1 gene. This deletion is out-of-frame, and is expected to create a premature termination codon and result in an absent or disrupted protein product. Loss-of-function variants in CNGB1 are known to be pathogenic (PMID: 15557452, 24043777).

Literature cited by the submitters: PubMed 15557452; PubMed 24043777.

NC_000016.9:g.(?_57937706)_(57938799_?)del

Gene: CNGB1 (cyclic nucleotide gated channel subunit beta 1; minus strand). Cytogenetic location: 16q21.
Variant type: Deletion.
Identifiers: ClinVar variation 2424121 (VCV002424121.4).